The following is an entry in ClinVar:

ClinVar aggregate classification (germline): Uncertain significance. Review status: criteria provided, multiple submitters, no conflicts (2 of 4 stars). 2 submissions from 2 submitters: Uncertain significance (2). Last evaluated 2025-11-03.

Conditions:
Familial hemophagocytic lymphohistiocytosis 5. Also called: STXBP2-Related Familial Hemophagocytic Lymphohistiocytosis (STXBP2-fHLH). Identifiers: Orphanet 540, MedGen C2751293, MONDO:0013135, OMIM 613101.

Allele frequency attached by ClinVar (database versions not stated): gnomAD exomes below 0.00001.
gnomAD v4.1: 2 of 1,613,278 alleles (0.00012%); highest among the groups gnomAD compares: Non-Finnish European, 0.00017%; no homozygotes.

Submissions (2):

Labcorp Genetics (formerly Invitae), Labcorp
Classification: Uncertain significance for Familial hemophagocytic lymphohistiocytosis 5. Last evaluated: 2025-11-03. Review status: criteria provided, single submitter. Criteria: Invitae Variant Classification Sherloc (09022015). Collection method: clinical testing. Allele origin: germline.
Comment: This sequence change replaces methionine, which is neutral and non-polar, with valine, which is neutral and non-polar, at codon 544 of the STXBP2 protein (p.Met544Val). This variant is present in population databases (no rsID available, gnomAD 0.0009%). This missense change has been observed in individual(s) with clinical features of STXBP2-related conditions (PMID: 34170459). ClinVar contains an entry for this variant (Variation ID: 1343630). Invitae Evidence Modeling of protein sequence and biophysical properties (such as structural, functional, and spatial information, amino acid conservation, physicochemical variation, residue mobility, and thermodynamic stability) has been performed for this missense variant. However, the output from this modeling did not meet the statistical confidence thresholds required to predict the impact of this variant on STXBP2 protein function. In summary, the available evidence is currently insufficient to determine the role of this variant in disease. Therefore, it has been classified as a Variant of Uncertain Significance.

Women's Health and Genetics/Laboratory Corporation of America, LabCorp
Classification: Uncertain significance. Last evaluated: 2022-02-25. Review status: criteria provided, single submitter. Criteria: LabCorp Variant Classification Summary - May 2015. Collection method: clinical testing. Allele origin: germline.
Comment: Variant summary: STXBP2 c.1630A>G (p.Met544Val) results in a conservative amino acid change in the encoded protein sequence. Three of five in-silico tools predict a damaging effect of the variant on protein function. The variant allele was found at a frequency of 4e-06 in 247598 control chromosomes (gnomAD). The available data on variant occurrences in the general population are insufficient to allow any conclusion about variant significance. To our knowledge, no occurrence of c.1630A>G in individuals affected with Familial Hemophagocytic Lymphohistiocytosis and no experimental evidence demonstrating its impact on protein function have been reported. No clinical diagnostic laboratories have submitted clinical-significance assessments for this variant to ClinVar after 2014. Based on the evidence outlined above, the variant was classified as uncertain significance.

Literature cited by the submitters: PubMed 34170459 (cited by Labcorp Genetics (formerly Invitae), Labcorp).

NM_006949.4(STXBP2):c.1630A>G (p.Met544Val)

Gene: STXBP2 (syntaxin binding protein 2; plus strand). Cytogenetic location: 19p13.2.
Variant type: single nucleotide variant.
Coding change: c.1630A>G on transcript NM_006949.4 (MANE Select); coding-DNA position 1630, A replaced by G.
Protein change: p.Met544Val; replaces methionine 544 with valine.
Molecular consequence: missense variant. On other transcripts: non-coding transcript variant (1).
Genome position (GRCh38, 1-based): chr19:7,647,445, A>G. VCF-style: chr19-7647445-A-G. GRCh37 (hg19) VCF-style: chr19-7712331-A-G.
Other names: c.1621A>G, p.Met541Val (NM_001127396.3); c.1663A>G, p.Met555Val (NM_001272034.2); short protein forms M541V, M544V, M555V.
Identifiers: ClinVar variation 1343630 (VCV001343630.5), dbSNP rs1263938690, ClinGen allele CA403162100.